The following is an entry in ClinVar:

ClinVar aggregate classification (germline): Uncertain significance. Review status: criteria provided, multiple submitters, no conflicts (2 of 4 stars). 5 submissions from 5 submitters: Uncertain significance (5). Last evaluated 2025-07-31.

Conditions:
Cardiovascular phenotype. Identifiers: MedGen CN230736.
Arrhythmogenic right ventricular cardiomyopathy (ARVD). Also called: Arrhythmogenic cardiomyopathy; Cardiomyopathy, ARVC; Arrhythmogenic right ventricular dysplasia; Arrhythmogenic Right Ventricular Cardiomyopathy (ARVC). Identifiers: Orphanet 247, MedGen C0349788, MeSH D019571, MONDO:0016587. Disease mechanism: loss of function. Inheritance: Various modes of inheritance.
Cardiomyopathy (CMYO). Also called: Cardiomyopathies. Identifiers: Orphanet 167848, MedGen C0878544, MONDO:0004994, HP:0001638. Inheritance: Various modes of inheritance.
Arrhythmogenic right ventricular dysplasia 10. Also called: Arrhythmogenic Right Ventricular Dysplasia/Cardiomyopathy10; ARRHYTHMOGENIC RIGHT VENTRICULAR DYSPLASIA, FAMILIAL, 10; Arrhythmogenic right ventricular dysplasia/cardiomyopathy, type 10. Identifiers: MedGen C1857777, MONDO:0012434, OMIM 610193.

Allele frequency attached by ClinVar (database versions not stated): ExAC 0.00001; gnomAD 0.00001; gnomAD exomes 0.00001 and 0.00002; TOPMed 0.00001.
gnomAD v4.1: 9 of 1,613,966 alleles (0.00056%); highest among the groups gnomAD compares: East Asian, 0.0067%; no homozygotes.

Submissions (5):

GeneDx
Classification: Uncertain significance. Last evaluated: 2025-07-31. Review status: criteria provided, single submitter. Criteria: GeneDx Variant Classification Process June 2021. Collection method: clinical testing. Allele origin: germline. Affected: yes.
Comment: Not observed at significant frequency in large population cohorts (gnomAD); In silico analysis supports that this missense variant has a deleterious effect on protein structure/function; Has not been previously published as pathogenic or benign to our knowledge

Labcorp Genetics (formerly Invitae), Labcorp
Classification: Uncertain significance for Arrhythmogenic right ventricular dysplasia 10. Last evaluated: 2025-05-08. Review status: criteria provided, single submitter. Criteria: Invitae Variant Classification Sherloc (09022015). Collection method: clinical testing. Allele origin: germline.
Comment: This sequence change replaces glycine, which is neutral and non-polar, with valine, which is neutral and non-polar, at codon 609 of the DSG2 protein (p.Gly609Val). This variant is present in population databases (rs754168863, gnomAD 0.02%). This variant has not been reported in the literature in individuals affected with DSG2-related conditions. ClinVar contains an entry for this variant (Variation ID: 919808). Invitae Evidence Modeling of protein sequence and biophysical properties (such as structural, functional, and spatial information, amino acid conservation, physicochemical variation, residue mobility, and thermodynamic stability) indicates that this missense variant is not expected to disrupt DSG2 protein function with a negative predictive value of 95%. In summary, the available evidence is currently insufficient to determine the role of this variant in disease. Therefore, it has been classified as a Variant of Uncertain Significance.

Ambry Genetics
Classification: Uncertain significance for Cardiovascular phenotype. Last evaluated: 2024-03-08. Review status: criteria provided, single submitter. Criteria: Ambry Variant Classification Scheme 2023. Collection method: clinical testing. Allele origin: germline.
Comment: The p.G609V variant (also known as c.1826G>T), located in coding exon 12 of the DSG2 gene, results from a G to T substitution at nucleotide position 1826. The glycine at codon 609 is replaced by valine, an amino acid with dissimilar properties. This amino acid position is conserved. In addition, this alteration is predicted to be deleterious by in silico analysis. Based on the available evidence, the clinical significance of this alteration remains unclear.

Color Diagnostics, LLC DBA Color Health
Classification: Uncertain significance for Cardiomyopathy. Last evaluated: 2024-03-07. Review status: criteria provided, single submitter. Criteria: ACMG Guidelines, 2015. Collection method: clinical testing. Allele origin: germline.
Comment: This missense variant replaces glycine with valine at codon 609 of the DSG2 protein. Computational prediction suggests that this variant may not impact protein structure and function (internally defined REVEL score threshold <= 0.5, PMID: 27666373). To our knowledge, functional studies have not been reported for this variant. This variant has not been reported in individuals affected with cardiovascular disorders in the literature. This variant has been identified in 5/280444 chromosomes in the general population by the Genome Aggregation Database (gnomAD). The available evidence is insufficient to determine the role of this variant in disease conclusively. Therefore, this variant is classified as a Variant of Uncertain Significance.

All of Us Research Program, National Institutes of Health
Classification: Uncertain significance for Arrhythmogenic right ventricular cardiomyopathy. Last evaluated: 2023-10-02. Review status: criteria provided, single submitter. Criteria: ACMG Guidelines, 2015. Collection method: clinical testing. Allele origin: germline. Inheritance: Autosomal dominant inheritance. Observed: 1 variant allele, 1 heterozygote.
Comment: This missense variant replaces glycine with valine at codon 609 of the DSG2 protein. Computational prediction suggests that this variant may not impact protein structure and function (internally defined REVEL score threshold <= 0.5, PMID: 27666373). To our knowledge, functional studies have not been reported for this variant. This variant has not been reported in individuals affected with cardiovascular disorders in the literature. This variant has been identified in 5/280444 chromosomes in the general population by the Genome Aggregation Database (gnomAD). The available evidence is insufficient to determine the role of this variant in disease conclusively. Therefore, this variant is classified as a Variant of Uncertain Significance.

This study involves interpretation of variants in research participants for the purpose of population health screening. Participant phenotype was not available at the time of variant classification. Additional details can be found in publication PMID: 35346344, PMCID: PMC8962531

NM_001943.5(DSG2):c.1826G>T (p.Gly609Val)

Gene: DSG2 (desmoglein 2; plus strand). Cytogenetic location: 18q12.1.
Variant type: single nucleotide variant.
Coding change: c.1826G>T on transcript NM_001943.5 (MANE Select); coding-DNA position 1826, G replaced by T.
Protein change: p.Gly609Val; replaces glycine 609 with valine.
Molecular consequence: missense variant.
Genome position (GRCh38, 1-based): chr18:31,538,925, G>T. VCF-style: chr18-31538925-G-T. GRCh37 (hg19) VCF-style: chr18-29118888-G-T.
Other names: c.1826G>T (NM_001943.3); short protein forms G609V.
Identifiers: ClinVar variation 919808 (VCV000919808.10), dbSNP rs754168863, ClinGen allele CA043794.